The following is an entry in ClinVar:

NM_001134407.3(GRIN2A):c.2378C>T (p.Thr793Ile)

Gene: GRIN2A (glutamate ionotropic receptor NMDA type subunit 2A; minus strand). Cytogenetic location: 16p13.2.
Variant type: single nucleotide variant.
Coding change: c.2378C>T on transcript NM_001134407.3 (MANE Select); coding-DNA position 2378, C replaced by T.
Protein change: p.Thr793Ile; replaces threonine 793 with isoleucine.
Molecular consequence: missense variant.
Genome position (GRCh38, 1-based): chr16:9,769,068, G>A on the plus strand (C>T on the coding strand, the complement: GRIN2A is on the minus strand). VCF-style: chr16-9769068-G-A. GRCh37 (hg19) VCF-style: chr16-9862925-G-A.
Other names: c.2378C>T, p.Thr793Ile (NM_000833.5, NM_001134408.2); short protein forms T793I.
Identifiers: ClinVar variation 957441 (VCV000957441.15), dbSNP rs893189529, ClinGen allele CA277546588.

ClinVar aggregate classification (germline): Uncertain significance. Review status: criteria provided, multiple submitters, no conflicts (2 of 4 stars). 5 submissions from 5 submitters: Uncertain significance (4). 1 of the submissions does not count toward it. Last evaluated 2025-11-17.

Conditions:
Landau-Kleffner syndrome (FESD). Also called: EPILEPSY, FOCAL, WITH SPEECH DISORDER AND WITH OR WITHOUT MENTAL RETARDATION; APHASIA, ACQUIRED, WITH EPILEPSY. Identifiers: Orphanet 1945, Orphanet 725, Orphanet 98818, MedGen C0282512, MONDO:0009509, OMIM 245570.
GRIN2A-related complex neurodevelopmental disorder. Also called: GRIN2A-related disorder; GRIN2A-related condition. Identifiers: MedGen CN379781, MONDO:1060139.
Inborn genetic diseases. Identifiers: MedGen C0950123, MeSH D030342.

Allele frequency attached by ClinVar (database versions not stated): TOPMed below 0.00001.

Submissions (5):

Labcorp Genetics (formerly Invitae), Labcorp
Classification: Uncertain significance for Landau-Kleffner syndrome. Last evaluated: 2025-11-17. Review status: criteria provided, single submitter. Criteria: Invitae Variant Classification Sherloc (09022015). Collection method: clinical testing. Allele origin: germline.
Comment: This sequence change replaces threonine, which is neutral and polar, with isoleucine, which is neutral and non-polar, at codon 793 of the GRIN2A protein (p.Thr793Ile). This variant is not present in population databases (gnomAD no frequency). This variant has not been reported in the literature in individuals affected with GRIN2A-related conditions. ClinVar contains an entry for this variant (Variation ID: 957441). Invitae Evidence Modeling of protein sequence and biophysical properties (such as structural, functional, and spatial information, amino acid conservation, physicochemical variation, residue mobility, and thermodynamic stability) has been performed for this missense variant. However, the output from this modeling did not meet the statistical confidence thresholds required to predict the impact of this variant on GRIN2A protein function. In summary, the available evidence is currently insufficient to determine the role of this variant in disease. Therefore, it has been classified as a Variant of Uncertain Significance.

Ambry Genetics
Classification: Uncertain significance for Inborn genetic diseases. Last evaluated: 2025-07-15. Review status: criteria provided, single submitter. Criteria: Ambry Variant Classification Scheme 2023. Collection method: clinical testing. Allele origin: germline.

Fulgent Genetics
Classification: Uncertain significance for Landau-Kleffner syndrome. Last evaluated: 2021-11-05. Review status: criteria provided, single submitter. Criteria: ACMG Guidelines, 2015. Collection method: clinical testing. Allele origin: unknown.

GeneDx
Classification: Uncertain significance. Last evaluated: 2019-11-20. Review status: criteria provided, single submitter. Criteria: GeneDx Variant Classification Process June 2021. Collection method: clinical testing. Allele origin: germline. Affected: yes.
Comment: Not observed in large population cohorts (Lek et al., 2016); In silico analysis, which includes protein predictors and evolutionary conservation, supports a deleterious effect; Has not been previously published as pathogenic or benign to our knowledge

PreventionGenetics, part of Exact Sciences
Classification: Uncertain significance for GRIN2A-related condition. Last evaluated: 2024-05-28. Review status: no assertion criteria provided. Collection method: clinical testing. Allele origin: germline. Not counted in ClinVar's aggregate classification.
Comment: The GRIN2A c.2378C>T variant is predicted to result in the amino acid substitution p.Thr793Ile. To our knowledge, this variant has not been reported in the literature or in a large population database, indicating this variant is rare. At this time, the clinical significance of this variant is uncertain due to the absence of conclusive functional and genetic evidence.